The following is an entry in ClinVar:

NM_153603.4(COG7):c.1330C>T (p.Arg444Ter)

Gene: COG7 (component of oligomeric golgi complex 7; minus strand). Cytogenetic location: 16p12.2.
Variant type: single nucleotide variant.
Coding change: c.1330C>T on transcript NM_153603.4 (MANE Select); coding-DNA position 1330, C replaced by T.
Protein change: p.Arg444Ter; replaces arginine 444 with a stop codon.
Molecular consequence: nonsense.
Genome position (GRCh38, 1-based): chr16:23,413,527, G>A on the plus strand (C>T on the coding strand, the complement: COG7 is on the minus strand). VCF-style: chr16-23413527-G-A. GRCh37 (hg19) VCF-style: chr16-23424848-G-A.
Other names: c.1330C>T (NM_153603.3); short protein forms R444*.
Identifiers: ClinVar variation 2505114 (VCV002505114.5), dbSNP rs780863769, ClinGen allele CA7961014.

ClinVar aggregate classification (germline): Pathogenic/Likely pathogenic. Review status: criteria provided, multiple submitters, no conflicts (2 of 4 stars). 2 submissions from 2 submitters: Pathogenic (1); Likely pathogenic (1). Last evaluated 2024-03-08.

Conditions:
COG7 congenital disorder of glycosylation (CDG2E). Also called: CONGENITAL DISORDER OF GLYCOSYLATION, TYPE IIe; CDG IIe. Identifiers: Orphanet 79333, MedGen C2931010, MONDO:0012118, OMIM 608779.

Allele frequency attached by ClinVar (database versions not stated): ExAC 0.00001; TOPMed 0.00002; gnomAD 0.00003.
gnomAD v4.1: 19 of 1,611,052 alleles (0.0012%); highest among the groups gnomAD compares: Admixed American, 0.0033%; no homozygotes.

Submissions (2):

GeneDx
Classification: Likely pathogenic. Last evaluated: 2024-03-08. Review status: criteria provided, single submitter. Criteria: GeneDx Variant Classification Process June 2021. Collection method: clinical testing. Allele origin: germline. Affected: yes.
Comment: Nonsense variant predicted to result in protein truncation or nonsense mediated decay in a gene for which loss of function is a known mechanism of disease; Not observed at significant frequency in large population cohorts (gnomAD); Has not been previously published as pathogenic or benign to our knowledge

Labcorp Genetics (formerly Invitae), Labcorp
Classification: Pathogenic for COG7 congenital disorder of glycosylation. Last evaluated: 2024-02-26. Review status: criteria provided, single submitter. Criteria: Invitae Variant Classification Sherloc (09022015). Collection method: clinical testing. Allele origin: germline.
Comment: This sequence change creates a premature translational stop signal (p.Arg444*) in the COG7 gene. It is expected to result in an absent or disrupted protein product. Loss-of-function variants in COG7 are known to be pathogenic (PMID: 21811164). This variant is not present in population databases (gnomAD no frequency). This variant has not been reported in the literature in individuals affected with COG7-related conditions. ClinVar contains an entry for this variant (Variation ID: 2505114). For these reasons, this variant has been classified as Pathogenic.

Literature cited by the submitters: PubMed 21811164 (cited by Labcorp Genetics (formerly Invitae), Labcorp).